The following is an entry in ClinVar:

NM_001876.4(CPT1A):c.222C>G (p.Tyr74Ter)

Gene: CPT1A (carnitine palmitoyltransferase 1A; minus strand). Cytogenetic location: 11q13.3.
Variant type: single nucleotide variant.
Coding change: c.222C>G on transcript NM_001876.4 (MANE Select); coding-DNA position 222, C replaced by G.
Protein change: p.Tyr74Ter; replaces tyrosine 74 with a stop codon.
Molecular consequence: nonsense.
Genome position (GRCh38, 1-based): chr11:68,812,496, G>C on the plus strand (C>G on the coding strand, the complement: CPT1A is on the minus strand). VCF-style: chr11-68812496-G-C. GRCh37 (hg19) VCF-style: chr11-68579964-G-C.
Other names: c.222C>G, p.Tyr74Ter (NM_001031847.3); short protein forms Y74*.
Identifiers: ClinVar variation 2848024 (VCV002848024.3), dbSNP rs398123654, ClinGen allele CA381638012.
Genomic context (GRCh38, chr11:68,812,496, plus strand): 5'-CGCCGTTTCCAGAGTCCGATTGATTTTTGCAATTATTCCTAACGAGGGGTCGATCTTGGC[G>C]TACATCGTTGTCATCACGCCCACCACCACGATAAGCCAACTGGAGGGGCTTGCCGGGTAC-3'

ClinVar aggregate classification (germline): Pathogenic (1 of 4 stars; one submission).

Conditions:
Carnitine palmitoyl transferase 1A deficiency. Also called: Carnitine palmitoyltransferase 1A deficiency; CPT I DEFICIENCY; CPT DEFICIENCY, HEPATIC, TYPE I; Carnitine palmitoyltransferase type I deficiency; CPT deficiency, hepatic, type IA. Identifiers: Orphanet 156, MedGen C1829703, MONDO:0009705, OMIM 255120.

gnomAD v4.1: 2 of 1,614,150 alleles (0.00012%); highest among the groups gnomAD compares: Non-Finnish European, 0.00017%; no homozygotes.

Submission:

Labcorp Genetics (formerly Invitae), Labcorp
Classification: Pathogenic for Carnitine palmitoyl transferase 1A deficiency. Last evaluated: 2023-03-21. Review status: criteria provided, single submitter. Criteria: Invitae Variant Classification Sherloc (09022015). Collection method: clinical testing. Allele origin: germline.
Comment: This variant has not been reported in the literature in individuals affected with CPT1A-related conditions. For these reasons, this variant has been classified as Pathogenic. This variant is present in population databases (no rsID available, gnomAD 0.0009%). This sequence change creates a premature translational stop signal (p.Tyr74*) in the CPT1A gene. It is expected to result in an absent or disrupted protein product. Loss-of-function variants in CPT1A are known to be pathogenic (PMID: 16169268).

Literature cited by the submitters: PubMed 16169268.